The following is an entry in ClinVar:

NM_006393.3(NEBL):c.1088C>T (p.Ser363Leu)

Gene: NEBL (nebulette; minus strand). Cytogenetic location: 10p12.31.
Variant type: single nucleotide variant.
Coding change: c.1088C>T on transcript NM_006393.3 (MANE Select); coding-DNA position 1088, C replaced by T.
Protein change: p.Ser363Leu; replaces serine 363 with leucine.
Molecular consequence: missense variant. On other transcripts: intron variant (9).
Genome position (GRCh38, 1-based): chr10:20,850,423, G>A on the plus strand (C>T on the coding strand, the complement: NEBL is on the minus strand). VCF-style: chr10-20850423-G-A. GRCh37 (hg19) VCF-style: chr10-21139352-G-A.
Other names: c.250-37483C>T (NM_001377326.1, NM_001377327.1, NM_001377328.1); c.358-37483C>T (NM_213569.2, NM_001173484.2, NM_001377322.1); c.301-37483C>T (NM_001377324.1); c.292-37483C>T (NM_001377325.1); c.310-37483C>T (NM_001377323.1); short protein forms S363L.
Identifiers: ClinVar variation 454261 (VCV000454261.10), dbSNP rs747086170, ClinGen allele CA5432979.

ClinVar aggregate classification (germline): Uncertain significance. Review status: criteria provided, multiple submitters, no conflicts (2 of 4 stars). 2 submissions from 2 submitters: Uncertain significance (2). Last evaluated 2023-11-27.

Conditions:
Primary dilated cardiomyopathy (DCM). Also called: Dilated Cardiomyopathy. Identifiers: Orphanet 217604, MedGen C0007193, MeSH D002311, MONDO:0005021, HP:0001644. Inheritance: Various modes of inheritance.

Allele frequency attached by ClinVar (database versions not stated): ExAC 0.00001; TOPMed 0.00001; gnomAD exomes below 0.00001.
gnomAD v4.1: 1 of 1,610,732 alleles (0.000062%); highest among the groups gnomAD compares: Non-Finnish European, 0.000085%; no homozygotes.

Submissions (2):

Labcorp Genetics (formerly Invitae), Labcorp
Classification: Uncertain significance for Primary dilated cardiomyopathy. Last evaluated: 2023-11-27. Review status: criteria provided, single submitter. Criteria: Invitae Variant Classification Sherloc (09022015). Collection method: clinical testing. Allele origin: germline.
Comment: This sequence change replaces serine, which is neutral and polar, with leucine, which is neutral and non-polar, at codon 363 of the NEBL protein (p.Ser363Leu). This variant is present in population databases (rs747086170, gnomAD 0.0009%). This variant has not been reported in the literature in individuals affected with NEBL-related conditions. ClinVar contains an entry for this variant (Variation ID: 454261). An algorithm developed to predict the effect of missense changes on protein structure and function (PolyPhen-2) suggests that this variant is likely to be disruptive. In summary, the available evidence is currently insufficient to determine the role of this variant in disease. Therefore, it has been classified as a Variant of Uncertain Significance.

Ambry Genetics
Classification: Uncertain significance. Last evaluated: 2022-12-14. Review status: criteria provided, single submitter. Criteria: Ambry Variant Classification Scheme 2023. Collection method: clinical testing. Allele origin: germline.
Comment: The p.S363L variant (also known as c.1088C>T), located in coding exon 11 of the NEBL gene, results from a C to T substitution at nucleotide position 1088. The serine at codon 363 is replaced by leucine, an amino acid with dissimilar properties. This amino acid position is conserved. In addition, the in silico prediction for this alteration is inconclusive. Since supporting evidence is limited at this time, the clinical significance of this alteration remains unclear.